The following is an entry in ClinVar:

NM_001457.4(FLNB):c.1874A>G (p.Glu625Gly)

Gene: FLNB (filamin B; plus strand). Cytogenetic location: 3p14.3.
Variant type: single nucleotide variant.
Coding change: c.1874A>G on transcript NM_001457.4 (MANE Select); coding-DNA position 1874, A replaced by G.
Protein change: p.Glu625Gly; replaces glutamic acid 625 with glycine.
Molecular consequence: missense variant.
Genome position (GRCh38, 1-based): chr3:58,106,806, A>G. VCF-style: chr3-58106806-A-G. GRCh37 (hg19) VCF-style: chr3-58092533-A-G.
Other names: c.1874A>G, p.Glu625Gly (NM_001164317.2, NM_001164318.2, NM_001164319.2); short protein forms E625G.
Identifiers: ClinVar variation 3769078 (VCV003769078.2).

ClinVar aggregate classification (germline): Uncertain significance (1 of 4 stars; one submission).

gnomAD v4.1: 1 of 1,614,020 alleles (0.000062%); highest among the groups gnomAD compares: African/African-American, 0.0013%; no homozygotes.

Submission:

Women's Health and Genetics/Laboratory Corporation of America, LabCorp
Classification: Uncertain significance. Last evaluated: 2025-01-15. Review status: criteria provided, single submitter. Criteria: LabCorp Variant Classification Summary - May 2015. Collection method: clinical testing. Allele origin: germline.
Comment: Variant summary: FLNB c.1874A>G (p.Glu625Gly) results in a non-conservative amino acid change in the encoded protein sequence. Five of five in-silico tools predict a damaging effect of the variant on protein function. The variant was absent in 251276 control chromosomes. The available data on variant occurrences in the general population are insufficient to allow any conclusion about variant significance. To our knowledge, no occurrence of c.1874A>G in individuals affected with Larsen Syndrome and no experimental evidence demonstrating its impact on protein function have been reported. No submitters have cited clinical-significance assessments for this variant to ClinVar. Based on the evidence outlined above, the variant was classified as uncertain significance.